The following is an entry in ClinVar:

NM_020207.7(ERCC6L2):c.3106_3107del (p.Gln1036fs)

Gene: ERCC6L2 (ERCC excision repair 6 like 2; plus strand). Cytogenetic location: 9q22.32.
Variant type: Deletion.
Coding change: c.3106_3107del on transcript NM_020207.7 (MANE Select); coding-DNA positions 3106 to 3107, 2 bases deleted (CA; older notation c.3106_3107delCA).
Protein change: p.Gln1036fs; shifts the reading frame from glutamine 1036.
Molecular consequence: frameshift variant. On other transcripts: non-coding transcript variant (1).
Genome position (GRCh38, 1-based): chr9:95,972,857-95,972,858, CA deleted. VCF-style (leftmost placement, unchanged base first): chr9-95972856-TCA-T. GRCh37 (hg19) VCF-style: chr9-98735138-TCA-T.
Other names: c.3106_3107del, p.Gln1036fs (NM_001375291.1, NM_001375292.1, NM_001375293.1 and 1 more transcripts); short protein forms Q1036fs.
Identifiers: ClinVar variation 2813205 (VCV002813205.3), dbSNP rs1472318634, ClinGen allele CA589285462.

ClinVar aggregate classification (germline): Pathogenic (1 of 4 stars; one submission).

Allele frequency attached by ClinVar (database versions not stated): gnomAD 0.00001; gnomAD exomes 0.00001.

Submission:

Labcorp Genetics (formerly Invitae), Labcorp
Classification: Pathogenic. Last evaluated: 2023-04-10. Review status: criteria provided, single submitter. Criteria: Invitae Variant Classification Sherloc (09022015). Collection method: clinical testing. Allele origin: germline.
Comment: For these reasons, this variant has been classified as Pathogenic. This variant has not been reported in the literature in individuals affected with ERCC6L2-related conditions. This variant is present in population databases (no rsID available, gnomAD 0.002%). This sequence change creates a premature translational stop signal (p.Gln1047Valfs*3) in the ERCC6L2 gene. It is expected to result in an absent or disrupted protein product. Loss-of-function variants in ERCC6L2 are known to be pathogenic (PMID: 24507776, 27185855, 29146883, 29987015).

Literature cited by the submitters: PubMed 24507776; PubMed 27185855; PubMed 29146883; PubMed 29987015.